The following is an entry in ClinVar:

ClinVar aggregate classification (germline): Uncertain significance (1 of 4 stars; one submission).

Submission:

Labcorp Genetics (formerly Invitae), Labcorp
Classification: Uncertain significance. Last evaluated: 2023-09-19. Review status: criteria provided, single submitter. Criteria: Invitae Variant Classification Sherloc (09022015). Collection method: clinical testing. Allele origin: germline.
Comment: This variant is not present in population databases (gnomAD no frequency). This sequence change replaces serine, which is neutral and polar, with alanine, which is neutral and non-polar, at codon 395 of the ROBO1 protein (p.Ser395Ala). In summary, the available evidence is currently insufficient to determine the role of this variant in disease. Therefore, it has been classified as a Variant of Uncertain Significance. Advanced modeling of protein sequence and biophysical properties (such as structural, functional, and spatial information, amino acid conservation, physicochemical variation, residue mobility, and thermodynamic stability) performed at Invitae indicates that this missense variant is not expected to disrupt ROBO1 protein function. ClinVar contains an entry for this variant (Variation ID: 2053232). This variant has not been reported in the literature in individuals affected with ROBO1-related conditions.

NM_002941.4(ROBO1):c.1183T>G (p.Ser395Ala)

Gene: ROBO1 (roundabout guidance receptor 1; minus strand). Cytogenetic location: 3p12.3.
Variant type: single nucleotide variant.
Coding change: c.1183T>G on transcript NM_002941.4 (MANE Select); coding-DNA position 1183, T replaced by G.
Protein change: p.Ser395Ala; replaces serine 395 with alanine.
Molecular consequence: missense variant.
Genome position (GRCh38, 1-based): chr3:78,685,905, A>C on the plus strand (T>G on the coding strand, the complement: ROBO1 is on the minus strand). VCF-style: chr3-78685905-A-C. GRCh37 (hg19) VCF-style: chr3-78735055-A-C.
Other names: c.1075T>G, p.Ser359Ala (NM_001145844.1, NM_001145845.2, NM_133631.4); short protein forms S395A, S359A.
Identifiers: ClinVar variation 2053232 (VCV002053232.4), dbSNP rs1559745719, ClinGen allele CA353652500.